The following is an entry in ClinVar:

NM_000059.4(BRCA2):c.6686A>T (p.Glu2229Val)

Gene: BRCA2 (BRCA2 DNA repair associated; plus strand). Cytogenetic location: 13q13.1.
Variant type: single nucleotide variant.
Coding change: c.6686A>T on transcript NM_000059.4 (MANE Select); coding-DNA position 6686, A replaced by T.
Protein change: p.Glu2229Val; replaces glutamic acid 2229 with valine.
Molecular consequence: missense variant.
Genome position (GRCh38, 1-based): chr13:32,341,041, A>T. VCF-style: chr13-32341041-A-T. GRCh37 (hg19) VCF-style: chr13-32915178-A-T.
Other names: short protein forms E2229V.
Identifiers: ClinVar variation 1025212 (VCV001025212.10), dbSNP rs2072562512, ClinGen allele CA387790581.
Genomic context (GRCh38, chr13:32,341,041, plus strand): 5'-TAGAAGTTTGTTCTACTTACTCCAAAGATTCAGAAAACTACTTTGAAACAGAAGCAGTAG[A>T]AATTGCTAAAGCTTTTATGGAAGATGATGAACTGACAGATTCTAAACTGCCAAGTCATGC-3'
Protein context (NP_000050.3, residues 2219-2239): SENYFETEAV[Glu2229Val]IAKAFMEDDE

ClinVar aggregate classification (germline): Conflicting classifications of pathogenicity. Review status: criteria provided, conflicting classifications (1 of 4 stars). 2 submissions from 2 submitters: Uncertain significance (1); Likely benign (1). Last evaluated 2023-03-23.

Conditions:
Hereditary cancer-predisposing syndrome. Also called: Neoplastic Syndromes, Hereditary; Tumor predisposition; Hereditary Cancer Syndrome; Hereditary neoplastic syndrome. Identifiers: Orphanet 140162, MedGen C0027672, MeSH D009386, MONDO:0015356.
Hereditary breast ovarian cancer syndrome. Also called: Hereditary breast and ovarian cancer; Hereditary breast and ovarian cancer syndrome (HBOC); Hereditary breast and ovarian cancer syndrome; BRCA1- and BRCA2-Associated Hereditary Breast and Ovarian Cancer; Hereditary breast and/or ovarian cancer syndrome; Breast and ovarian cancer. Identifiers: Orphanet 145, MedGen C0677776, MeSH D061325, MONDO:0003582. Disease mechanism: loss of function.

Submissions (2):

University of Washington Department of Laboratory Medicine, University of Washington
Classification: Likely benign for Hereditary cancer-predisposing syndrome. Last evaluated: 2023-03-23. Review status: criteria provided, single submitter. Criteria: Dines et al. (Genet Med. 2020). Collection method: curation. Allele origin: germline.
Comment: Missense variant in a coldspot region where missense variants are very unlikely to be pathogenic (PMID:31911673).

BRCA2 exon 11 coldspot. Reclassification based on statistical prior probability.

Labcorp Genetics (formerly Invitae), Labcorp
Classification: Uncertain significance for Hereditary breast ovarian cancer syndrome. Last evaluated: 2020-06-08. Review status: criteria provided, single submitter. Criteria: Invitae Variant Classification Sherloc (09022015). Collection method: clinical testing. Allele origin: germline.
Comment: This variant is not present in population databases (ExAC no frequency). This sequence change replaces glutamic acid with valine at codon 2229 of the BRCA2 protein (p.Glu2229Val). The glutamic acid residue is moderately conserved and there is a moderate physicochemical difference between glutamic acid and valine. This variant has not been reported in the literature in individuals with BRCA2-related conditions. In summary, the available evidence is currently insufficient to determine the role of this variant in disease. Therefore, it has been classified as a Variant of Uncertain Significance. Algorithms developed to predict the effect of missense changes on protein structure and function are either unavailable or do not agree on the potential impact of this missense change (SIFT: "Deleterious"; PolyPhen-2: "Probably Damaging"; Align-GVGD: "Class C0").